The following is an entry in ClinVar:

NM_000214.3(JAG1):c.1868dup (p.Thr624fs)

Gene: JAG1 (jagged canonical Notch ligand 1; minus strand). Cytogenetic location: 20p12.2.
Variant type: Duplication.
Coding change: c.1868dup on transcript NM_000214.3 (MANE Select); coding-DNA position 1868, one base duplicated (G; older notation c.1868dupG).
Protein change: p.Thr624fs; shifts the reading frame from threonine 624.
Molecular consequence: frameshift variant.
Genome position (GRCh38, 1-based): chr20:10,646,956, C duplicated on the plus strand (G on the coding strand, the reverse complement: JAG1 is on the minus strand); the first of 3 consecutive C bases (chr20:10,646,956-10,646,958); duplicating any one gives the same sequence. VCF-style (leftmost placement, unchanged base first): chr20-10646955-T-TC. GRCh37 (hg19) VCF-style: chr20-10627603-T-TC.
Other names: c.1868dupG (NM_000214.2); short protein forms T624fs.
Identifiers: ClinVar variation 1371613 (VCV001371613.7), dbSNP rs2122606128, ClinGen allele CA2573156836.
Genomic context (GRCh38, chr20:10,646,955, plus strand): 5'-CAGGCTGGGGAGCACTGGTCCATTCCCGGATGAGGGAGTCTTACTTTCATGGCAGTATGT[T>TC]CCCGTGAAGCCTTTGTTACAGTCACAGGTGAATTTGCCTCCCGACTGACTCTTGCACTTC-3'

ClinVar aggregate classification (germline): Pathogenic/Likely pathogenic. Review status: criteria provided, multiple submitters, no conflicts (2 of 4 stars). 2 submissions from 2 submitters: Pathogenic (1); Likely pathogenic (1). Last evaluated 2026-05-26.

Conditions:
JAG1-related disorder. Also called: JAG1-related disorders; JAG1-related condition.
Alagille syndrome due to a JAG1 point mutation. Also called: Alagille Syndrome 1; HEPATIC DUCTULAR HYPOPLASIA, SYNDROMATIC; JAG1-Related Alagille Syndrome. Identifiers: Orphanet 261619, Orphanet 52, MedGen C1956125, MONDO:0016862, OMIM 118450.

Submissions (2):

PreventionGenetics, part of Exact Sciences
Classification: Likely pathogenic for JAG1-related condition. Last evaluated: 2026-05-26. Review status: criteria provided, single submitter. Criteria: ACMG Guidelines, 2015. Collection method: clinical testing. Allele origin: germline.
Comment: The JAG1 c.1868dupG variant is predicted to result in a frameshift and premature protein termination (p.Thr624Asnfs*5). To our knowledge, this variant has not been reported in the literature or in a large population database (gnomAD), indicating this variant is rare. Frameshift variants in JAG1 are expected to be pathogenic. This variant is interpreted as likely pathogenic.

Labcorp Genetics (formerly Invitae), Labcorp
Classification: Pathogenic for Alagille syndrome due to a JAG1 point mutation. Last evaluated: 2020-11-23. Review status: criteria provided, single submitter. Criteria: Invitae Variant Classification Sherloc (09022015). Collection method: clinical testing. Allele origin: germline.
Comment: This sequence change creates a premature translational stop signal (p.Thr624Asnfs*5) in the JAG1 gene. It is expected to result in an absent or disrupted protein product. Loss-of-function variants in JAG1 are known to be pathogenic (PMID: 11180599). For these reasons, this variant has been classified as Pathogenic. This variant has not been reported in the literature in individuals with JAG1-related conditions. This variant is not present in population databases (ExAC no frequency).

Literature cited by the submitters: PubMed 11180599 (cited by Labcorp Genetics (formerly Invitae), Labcorp).